The following is an entry in ClinVar:

NM_000298.6(PKLR):c.224T>C (p.Leu75Pro)

Gene: PKLR (pyruvate kinase L/R; minus strand). Cytogenetic location: 1q22.
Variant type: single nucleotide variant.
Coding change: c.224T>C on transcript NM_000298.6 (MANE Select); coding-DNA position 224, T replaced by C.
Protein change: p.Leu75Pro; replaces leucine 75 with proline.
Molecular consequence: missense variant.
Genome position (GRCh38, 1-based): chr1:155,300,157, A>G on the plus strand (T>C on the coding strand, the complement: PKLR is on the minus strand). VCF-style: chr1-155300157-A-G. GRCh37 (hg19) VCF-style: chr1-155269948-A-G.
Other names: c.131T>C, p.Leu44Pro (NM_181871.4); short protein forms L44P, L75P.
Identifiers: ClinVar variation 1299505 (VCV001299505.1), dbSNP rs2148218886, ClinGen allele CA342758341.

ClinVar aggregate classification (germline): Likely pathogenic (1 of 4 stars; one submission).

Conditions:
Pyruvate kinase deficiency of red cells (CNSHA2). Also called: PK DEFICIENCY; PYRUVATE KINASE DEFICIENCY OF ERYTHROCYTE; Pyruvate kinase deficiency, Amish type. Identifiers: Orphanet 766, MedGen C0340968, MONDO:0009950, OMIM 266200.

Submission:

Laboratory of Medical Genetics, National & Kapodistrian University of Athens
Classification: Likely pathogenic for Pyruvate kinase deficiency of red cells. Last evaluated: 2021-10-01. Review status: criteria provided, single submitter. Criteria: ACMG Guidelines, 2015. Collection method: clinical testing. Allele origin: unknown. Affected: yes.
Comment: PM1, PM2, PP2, PP3

Literature cited by the submitters: PubMed 34008892.